The following is an entry in ClinVar:

NM_001042492.3(NF1):c.3853del (p.Ile1284_Met1285insTer)

Gene: NF1 (neurofibromin 1; plus strand). Cytogenetic location: 17q11.2.
Variant type: Deletion.
Coding change: c.3853del on transcript NM_001042492.3 (MANE Select); coding-DNA position 3853, one base deleted (A; older notation c.3853delA).
Protein change: p.Ile1284_Met1285insTer.
Molecular consequence: nonsense. On other transcripts: frameshift variant (1).
Genome position (GRCh38, 1-based): chr17:31,235,755, A deleted; the last of 2 consecutive A bases (chr17:31,235,754-31,235,755); deleting either gives the same sequence. VCF-style (leftmost placement, unchanged base first): chr17-31235753-TA-T. GRCh37 (hg19) VCF-style: chr17-29562771-TA-T.
Other names: c.3853delA, p.Met1285Terfs (NM_000267.4).
Identifiers: ClinVar variation 952205 (VCV000952205.6), dbSNP rs2067189436, ClinGen allele CA1139665346.

ClinVar aggregate classification (germline): Pathogenic (1 of 4 stars; one submission).

Conditions:
Neurofibromatosis, type 1 (NF1). Also called: VON RECKLINGHAUSEN DISEASE; NEUROFIBROMATOSIS, TYPE I, SOMATIC; Peripheral type neurofibromatosis; Neurofibromatosis, type I. Identifiers: Orphanet 636, MedGen C0027831, MONDO:0018975, OMIM 162200. Disease mechanism: loss of function.

Submission:

Labcorp Genetics (formerly Invitae), Labcorp
Classification: Pathogenic for Neurofibromatosis, type 1. Last evaluated: 2019-06-04. Review status: criteria provided, single submitter. Criteria: Invitae Variant Classification Sherloc (09022015). Collection method: clinical testing. Allele origin: germline.
Comment: For these reasons, this variant has been classified as Pathogenic. Loss-of-function variants in NF1 are known to be pathogenic (PMID: 10712197, 23913538). This variant has not been reported in the literature in individuals with NF1-related conditions. This variant is not present in population databases (ExAC no frequency). This sequence change creates a premature translational stop signal (p.Met1285*) in the NF1 gene. It is expected to result in an absent or disrupted protein product.

Literature cited by the submitters: PubMed 10712197; PubMed 23913538.